The following is an entry in ClinVar:

ClinVar aggregate classification (germline): Uncertain significance. Review status: criteria provided, multiple submitters, no conflicts (2 of 4 stars). 6 submissions from 6 submitters: Uncertain significance (6). Last evaluated 2026-08-01.

Conditions:
Cardiovascular phenotype. Identifiers: MedGen CN230736.
Hypertrophic cardiomyopathy 9. Also called: Familial hypertrophic cardiomyopathy 9. Identifiers: MedGen C1861065, MONDO:0013412, OMIM 613765.
Dilated cardiomyopathy 1G (CMD1G). Identifiers: Orphanet 154, MedGen C1858763, MONDO:0011400, OMIM 604145.
Autosomal recessive limb-girdle muscular dystrophy type 2J (LGMDR10). Also called: Limb-girdle muscular dystrophy, type 2J; MUSCULAR DYSTROPHY, LIMB-GIRDLE, AUTOSOMAL RECESSIVE 10. Identifiers: Orphanet 140922, MedGen C1837342, MONDO:0012127, OMIM 608807.
Early-onset myopathy with fatal cardiomyopathy (CMYO5). Also called: Salih Myopathy; CONGENITAL MYOPATHY 5 WITH CARDIOMYOPATHY. Identifiers: Orphanet 289377, MedGen C2673677, MONDO:0012714, OMIM 611705. Disease mechanism: loss of function.
Tibial muscular dystrophy (TMD). Also called: Tibial muscular dystrophy, tardive; UDD MYOPATHY; Udd Distal Myopathy – Tibial Muscular Dystrophy. Identifiers: Orphanet 609, MedGen C1838244, MONDO:0010870, OMIM 600334.
Myopathy, myofibrillar, 9, with early respiratory failure (MFM9). Also called: Hereditary myopathy with early respiratory failure; EDSTROM MYOPATHY; MYOPATHY, PROXIMAL, WITH EARLY RESPIRATORY MUSCLE INVOLVEMENT; Myopathy, distal, with early respiratory failure, autosomal dominant. Identifiers: Orphanet 178464, Orphanet 34521, MedGen C1863599, MONDO:0011362, OMIM 603689.
TTN-related disorder. Also called: TTN-related condition; TTN-related disease; TTN-related disorders.

Allele frequency attached by ClinVar (database versions not stated): gnomAD exomes 0.00001; ExAC 0.00002; gnomAD 0.00002 and 0.00004; TOPMed 0.00002; 1000 Genomes Project 0.00020; 1000 Genomes Project 30x 0.00031.
gnomAD v4.1: 55 of 1,614,048 alleles (0.0034%); highest among the groups gnomAD compares: Non-Finnish European, 0.0046%; no homozygotes.

Submissions (6):

CeGaT Center for Human Genetics Tuebingen
Classification: Uncertain significance. Last evaluated: 2026-08-01. Review status: criteria provided, single submitter. Criteria: CeGaT Center For Human Genetics Tuebingen Variant Classification Criteria Version 2. Collection method: clinical testing. Allele origin: germline. Affected: yes. Observed: 1 variant allele.
Comment: TTN: PM2, BP1

PreventionGenetics, part of Exact Sciences
Classification: Uncertain significance for TTN-related condition. Last evaluated: 2025-08-15. Review status: criteria provided, single submitter. Criteria: ACMG Guidelines, 2015. Collection method: clinical testing. Allele origin: germline.
Comment: The TTN c.6923C>A variant is predicted to result in the amino acid substitution p.Ser2308Tyr. To our knowledge, this variant has not been reported in the literature. This variant is reported in 0.0031% of alleles in individuals of European (Non-Finnish) descent in gnomAD. At this time, the clinical significance of this variant is uncertain due to the absence of conclusive functional and genetic evidence.

Fulgent Genetics
Classification: Uncertain significance for Tibial muscular dystrophy; Myopathy, myofibrillar, 9, with early respiratory failure; Dilated cardiomyopathy 1G; Autosomal recessive limb-girdle muscular dystrophy type 2J; Early-onset myopathy with fatal cardiomyopathy; Hypertrophic cardiomyopathy 9. Last evaluated: 2021-10-04. Review status: criteria provided, single submitter. Criteria: ACMG Guidelines, 2015. Collection method: clinical testing. Allele origin: unknown.

GeneDx
Classification: Uncertain significance. Last evaluated: 2020-12-29. Review status: criteria provided, single submitter. Criteria: GeneDx Variant Classification Process June 2021. Collection method: clinical testing. Allele origin: germline. Affected: yes.
Comment: Not observed at a significant frequency in large population cohorts (Lek et al., 2016); Missense variant in a gene in which most reported pathogenic variants are truncating/loss-of-function; Has not been previously published as pathogenic or benign to our knowledge

Revvity Omics, Revvity
Classification: Uncertain significance. Last evaluated: 2020-07-09. Review status: criteria provided, single submitter. Criteria: ACMG Guidelines, 2015. Collection method: clinical testing. Allele origin: germline.

Ambry Genetics
Classification: Uncertain significance for Cardiovascular phenotype. Last evaluated: 2018-07-30. Review status: criteria provided, single submitter. Criteria: Ambry Variant Classification Scheme 2023. Collection method: clinical testing. Allele origin: germline.
Comment: The p.S2262Y variant (also known as c.6785C>A), located in coding exon 28 of the TTN gene, results from a C to A substitution at nucleotide position 6785. The serine at codon 2262 is replaced by tyrosine, an amino acid with dissimilar properties. This amino acid position is well conserved in available vertebrate species. In addition, the in silico prediction for this alteration is inconclusive. Since supporting evidence is limited at this time, the clinical significance of this alteration remains unclear.

NM_001267550.2(TTN):c.6923C>A (p.Ser2308Tyr)

Genes: TTN (titin; minus strand), LOC126806433 (BRD4-independent group 4 enhancer GRCh37_chr2:179638309-179639508; plus strand). Cytogenetic location: 2q31.2.
Variant type: single nucleotide variant.
Coding change: c.6923C>A on transcript NM_001267550.2 (MANE Select); coding-DNA position 6923, C replaced by A.
Protein change: p.Ser2308Tyr; replaces serine 2308 with tyrosine.
Molecular consequence: missense variant.
Genome position (GRCh38, 1-based): chr2:178,774,341, G>T on the plus strand (C>A on the coding strand, the complement: TTN is on the minus strand). VCF-style: chr2-178774341-G-T. GRCh37 (hg19) VCF-style: chr2-179639068-G-T.
Other names: c.6923C>A, p.Ser2308Tyr (NM_001256850.1, NM_133378.4, NM_133379.5); c.6785C>A, p.Ser2262Tyr (NM_003319.4, NM_133432.3, NM_133437.4); short protein forms S2262Y, S2308Y.
Identifiers: ClinVar variation 1215513 (VCV001215513.11), dbSNP rs577966527, ClinGen allele CA2004936.